The following is an entry in ClinVar:

NM_007294.4(BRCA1):c.5467+11T>C

Gene: BRCA1 (BRCA1 DNA repair associated; minus strand). Cytogenetic location: 17q21.31.
Variant type: single nucleotide variant.
Coding change: c.5467+11T>C on transcript NM_007294.4 (MANE Select); 11 bases into the intron after coding-DNA position 5467, T replaced by C.
Molecular consequence: intron variant.
Genome position (GRCh38, 1-based): chr17:43,047,632, A>G on the plus strand (T>C on the coding strand, the complement: BRCA1 is on the minus strand). VCF-style: chr17-43047632-A-G. GRCh37 (hg19) VCF-style: chr17-41199649-A-G.
Other names: c.5323+11T>C (NM_001407732.1, NM_001407733.1, NM_001407751.1 and 18 more transcripts); c.5326+11T>C (NM_001407698.1, NM_001407694.1, NM_001407696.1 and 12 more transcripts); c.2077+11T>C (NM_001408413.1, NM_001408416.1, NM_001408414.1 and 2 more transcripts); c.5383+11T>C (NM_001407660.1, NM_001407661.1, NM_001407663.1 and 2 more transcripts); c.1954+11T>C (NM_001408476.1, NM_001408475.1); c.1957+11T>C (NM_001408474.1); c.5266+11T>C (NM_001407862.1); c.2146+11T>C (NM_001408409.1); and 83 more.
Identifiers: ClinVar variation 868933 (VCV000868933.3), dbSNP rs2050973142, ClinGen allele CA916080754.

Conditions:
Breast-ovarian cancer, familial, susceptibility to, 1 (BROVCA1). Also called: BRCA1 Hereditary Breast and Ovarian Cancer; OVARIAN CANCER, SUSCEPTIBILITY TO. Identifiers: Orphanet 145, MedGen C2676676, MONDO:0011450, OMIM 604370. Disease mechanism: loss of function.

Submission:

Brotman Baty Institute, University of Washington
No classification provided (evidence only). Condition: Breast-ovarian cancer, familial 1. Review status: no classification provided. Collection method: in vitro. Allele origin: not applicable. Functional consequence: functionally_normal.
ClinVar note: "not provided" was previously submitted as the classification for the variant. However, the classification appeared to be based only on an observation of functional data so it was converted to no classification on 2025-07-30.